The following is an entry in ClinVar:

ClinVar aggregate classification (germline): Benign (1 of 4 stars; one submission).

Allele frequency attached by ClinVar (database versions not stated): gnomAD exomes 0.33944; gnomAD 0.36995 and 0.37035; TOPMed 0.39508; 1000 Genomes Project 0.40455; 1000 Genomes Project 30x 0.41115.
gnomAD v4.1: 219,285 of 630,928 alleles (35%); highest among the groups gnomAD compares: Admixed American, 48%; 39,695 homozygotes.

Submission:

GeneDx
Classification: Benign. Last evaluated: 2018-06-14. Review status: criteria provided, single submitter. Criteria: GeneDx Variant Classification (06012015). Collection method: clinical testing. Allele origin: germline. Affected: yes.
Comment: This variant is considered likely benign or benign based on one or more of the following criteria: it is a conservative change, it occurs at a poorly conserved position in the protein, it is predicted to be benign by multiple in silico algorithms, and/or has population frequency not consistent with disease.

NM_182961.4(SYNE1):c.24977-1522G>A

Gene: SYNE1 (spectrin repeat containing nuclear envelope protein 1; minus strand). Cytogenetic location: 6q25.2.
Variant type: single nucleotide variant.
Coding change: c.24977-1522G>A on transcript NM_182961.4 (MANE Select); 1522 bases into the intron before coding-DNA position 24977, G replaced by A.
Molecular consequence: intron variant.
Genome position (GRCh38, 1-based): chr6:152,145,287, C>T on the plus strand (G>A on the coding strand, the complement: SYNE1 is on the minus strand). VCF-style: chr6-152145287-C-T. GRCh37 (hg19) VCF-style: chr6-152466422-C-T.
Other names: c.24832+200G>A (NM_033071.5); c.1583-1522G>A (NM_001347701.2); c.1510+200G>A (NM_001347702.2).
Identifiers: ClinVar variation 670216 (VCV000670216.1), dbSNP rs2813485, ClinGen allele CA12308824.
Genomic context (GRCh38, chr6:152,145,287, plus strand): 5'-ATGGACATGAGAGGTCTATACCTAATGAGACCAATCACCATTTAACAAGTTGAGAAGTTA[C>T]TTTATTTCGCTCAATTAGTGAAATCTTATTCTTGGTGTGGATTTAACCAGCTGTTTTTTC-3'